The following is an entry in ClinVar:

NM_001164508.2(NEB):c.9146T>C (p.Ile3049Thr)

Gene: NEB (nebulin; minus strand). Cytogenetic location: 2q23.3.
Variant type: single nucleotide variant.
Coding change: c.9146T>C on transcript NM_001164508.2 (MANE Select); coding-DNA position 9146, T replaced by C.
Protein change: p.Ile3049Thr; replaces isoleucine 3049 with threonine.
Molecular consequence: missense variant. On other transcripts: intron variant (1).
Genome position (GRCh38, 1-based): chr2:151,633,922, A>G on the plus strand (T>C on the coding strand, the complement: NEB is on the minus strand). VCF-style: chr2-151633922-A-G. GRCh37 (hg19) VCF-style: chr2-152490436-A-G.
Other names: c.9146T>C, p.Ile3049Thr (NM_001164507.2, NM_001271208.2); c.8854-2744T>C (NM_004543.5); short protein forms I3049T.
Identifiers: ClinVar variation 452822 (VCV000452822.11), dbSNP rs776759120, ClinGen allele CA1909391.

ClinVar aggregate classification (germline): Uncertain significance. Review status: criteria provided, multiple submitters, no conflicts (2 of 4 stars). 5 submissions from 5 submitters: Uncertain significance (4). 1 of the submissions does not count toward it. Last evaluated 2024-07-23.

Conditions:
Nemaline myopathy 2 (NEM2). Also called: Nemaline myopathy 2, autosomal recessive. Identifiers: MedGen C1850569, MONDO:0009725, OMIM 256030.

Allele frequency attached by ClinVar (database versions not stated): gnomAD exomes 0.00004 and 0.00009; TOPMed 0.00005; gnomAD 0.00006 and 0.00007; ExAC 0.00007.
gnomAD v4.1: 139 of 1,613,802 alleles (0.0086%); highest among the groups gnomAD compares: Non-Finnish European, 0.011%; no homozygotes.

Submissions (5):

Labcorp Genetics (formerly Invitae), Labcorp
Classification: Uncertain significance for Nemaline myopathy 2. Last evaluated: 2024-07-23. Review status: criteria provided, single submitter. Criteria: Invitae Variant Classification Sherloc (09022015). Collection method: clinical testing. Allele origin: germline.
Comment: This sequence change replaces isoleucine, which is neutral and non-polar, with threonine, which is neutral and polar, at codon 3049 of the NEB protein (p.Ile3049Thr). This variant is present in population databases (rs776759120, gnomAD 0.01%). This variant has not been reported in the literature in individuals affected with NEB-related conditions. ClinVar contains an entry for this variant (Variation ID: 452822). Experimental studies and prediction algorithms are not available or were not evaluated, and the functional significance of this variant is currently unknown. In summary, the available evidence is currently insufficient to determine the role of this variant in disease. Therefore, it has been classified as a Variant of Uncertain Significance.

Blueprint Genetics
Classification: Uncertain significance. Last evaluated: 2024-07-04. Review status: criteria provided, single submitter. Criteria: ACMG Guidelines, 2015. Collection method: clinical testing. Allele origin: germline.

GeneDx
Classification: Uncertain significance. Last evaluated: 2019-12-31. Review status: criteria provided, single submitter. Criteria: GeneDx Variant Classification Process June 2021. Collection method: clinical testing. Allele origin: germline. Affected: yes.
Comment: Not observed at a significant frequency in large population cohorts (Lek et al., 2016); In silico analysis, which includes protein predictors and evolutionary conservation, supports that this variant does not alter protein structure/function; Has not been previously published as pathogenic or benign to our knowledge

Revvity Omics, Revvity
Classification: Uncertain significance. Last evaluated: 2019-02-21. Review status: criteria provided, single submitter. Criteria: ACMG Guidelines, 2015. Collection method: clinical testing. Allele origin: germline.

Natera, Inc.
Classification: Uncertain significance for Nemaline myopathy type 2. Last evaluated: 2019-11-11. Review status: no assertion criteria provided. Collection method: clinical testing. Allele origin: germline. Not counted in ClinVar's aggregate classification.